The following is an entry in ClinVar:

NM_025074.7(FRAS1):c.11696T>C (p.Leu3899Pro)

Gene: FRAS1 (Fraser extracellular matrix complex subunit 1; plus strand). Cytogenetic location: 4q21.21.
Variant type: single nucleotide variant.
Coding change: c.11696T>C on transcript NM_025074.7 (MANE Select); coding-DNA position 11696, T replaced by C.
Protein change: p.Leu3899Pro; replaces leucine 3899 with proline.
Molecular consequence: missense variant.
Genome position (GRCh38, 1-based): chr4:78,540,781, T>C. VCF-style: chr4-78540781-T-C. GRCh37 (hg19) VCF-style: chr4-79461935-T-C.
Other names: c.11696T>C (NM_025074.6); short protein forms L3899P.
Identifiers: ClinVar variation 1912143 (VCV001912143.3), dbSNP rs774872416, ClinGen allele CA2979281.
Genomic context (GRCh38, chr4:78,540,781, plus strand): 5'-ATGGCACCAATATGAAGTCCCTGAATCTGGAGATGCAAGAGTTGGCGGTAGCTGCGTCCC[T>C]GTCACAGACTGGGGCGTCCATTGGCAGTGCCCTGGCTGCAATCATGCTTCTACTTCTGGT-3'
Protein context (NP_079350.5, residues 3889-3909): EMQELAVAAS[Leu3899Pro]SQTGASIGSA

ClinVar aggregate classification (germline): Uncertain significance. Review status: criteria provided, multiple submitters, no conflicts (2 of 4 stars). 2 submissions from 2 submitters: Uncertain significance (2). Last evaluated 2025-04-03.

Conditions:
Inborn genetic diseases. Identifiers: MedGen C0950123, MeSH D030342.

Allele frequency attached by ClinVar (database versions not stated): gnomAD 0.00005.
gnomAD v4.1: 13 of 1,613,790 alleles (0.00081%); highest among the groups gnomAD compares: Admixed American, 0.012%; no homozygotes.

Submissions (2):

Ambry Genetics
Classification: Uncertain significance for Inborn genetic diseases. Last evaluated: 2025-04-03. Review status: criteria provided, single submitter. Criteria: Ambry Variant Classification Scheme 2023. Collection method: clinical testing. Allele origin: germline.

Labcorp Genetics (formerly Invitae), Labcorp
Classification: Uncertain significance. Last evaluated: 2022-03-04. Review status: criteria provided, single submitter. Criteria: Invitae Variant Classification Sherloc (09022015). Collection method: clinical testing. Allele origin: germline.
Comment: This sequence change replaces leucine, which is neutral and non-polar, with proline, which is neutral and non-polar, at codon 3899 of the FRAS1 protein (p.Leu3899Pro). This variant is present in population databases (rs774872416, gnomAD 0.01%). This variant has not been reported in the literature in individuals affected with FRAS1-related conditions. Algorithms developed to predict the effect of missense changes on protein structure and function are either unavailable or do not agree on the potential impact of this missense change (SIFT: "Deleterious"; PolyPhen-2: "Benign"; Align-GVGD: "Class C0"). In summary, the available evidence is currently insufficient to determine the role of this variant in disease. Therefore, it has been classified as a Variant of Uncertain Significance.